The following is an entry in ClinVar:

ClinVar aggregate classification (germline): Pathogenic (1 of 4 stars; one submission).

Conditions:
Duchenne muscular dystrophy (DMD). Also called: Duchenne Muscular Dystrophy (DMD); MUSCULAR DYSTROPHY, PSEUDOHYPERTROPHIC PROGRESSIVE, DUCHENNE TYPE. Identifiers: Orphanet 98896, MedGen C0013264, MONDO:0010679, OMIM 310200.

Submission:

Labcorp Genetics (formerly Invitae), Labcorp
Classification: Pathogenic for Duchenne muscular dystrophy. Last evaluated: 2022-08-23. Review status: criteria provided, single submitter. Criteria: Invitae Variant Classification Sherloc (09022015). Collection method: clinical testing. Allele origin: germline.
Comment: This variant is a gross deletion of the genomic region encompassing exon(s) 12-43 of the DMD gene. This variant would be expected to be in-frame, preserving the integrity of the reading frame. A similar copy number variant has been observed in individuals with Becker muscular dystrophy and/or Duchenne muscular dystrophy (PMID: 9800909, 25482253, 31705731). For these reasons, this variant has been classified as Pathogenic.

Literature cited by the submitters: PubMed 9800909; PubMed 25482253; PubMed 31705731.

NC_000023.10:g.(?_32305626)_(32632590_?)del

Gene: DMD (dystrophin; minus strand). Cytogenetic location: Xp21.1.
Variant type: Deletion.
Identifiers: ClinVar variation 2424823 (VCV002424823.4).